The following is an entry in ClinVar:

NM_001367561.1(DOCK7):c.239T>C (p.Ile80Thr)

Gene: DOCK7 (dedicator of cytokinesis 7; minus strand). Cytogenetic location: 1p31.3.
Variant type: single nucleotide variant.
Coding change: c.239T>C on transcript NM_001367561.1 (MANE Select); coding-DNA position 239, T replaced by C.
Protein change: p.Ile80Thr; replaces isoleucine 80 with threonine.
Molecular consequence: missense variant.
Genome position (GRCh38, 1-based): chr1:62,654,065, A>G on the plus strand (T>C on the coding strand, the complement: DOCK7 is on the minus strand). VCF-style: chr1-62654065-A-G. GRCh37 (hg19) VCF-style: chr1-63119736-A-G.
Other names: c.239T>C, p.Ile80Thr (NM_001271999.2, NM_001272000.2, NM_001272001.2 and 3 more transcripts); c.239T>C (NM_033407.2); short protein forms I80T.
Identifiers: ClinVar variation 941272 (VCV000941272.4), dbSNP rs371529266, ClinGen allele CA887239.

ClinVar aggregate classification (germline): Uncertain significance. Review status: criteria provided, multiple submitters, no conflicts (2 of 4 stars). 2 submissions from 2 submitters: Uncertain significance (2). Last evaluated 2024-05-14.

Conditions:
Inborn genetic diseases. Identifiers: MedGen C0950123, MeSH D030342.
Developmental and epileptic encephalopathy, 23 (DEE23). Also called: Epileptic encephalopathy, early infantile, 23. Identifiers: Orphanet 411986, MedGen C4014492, MONDO:0014371, OMIM 615859.

Allele frequency attached by ClinVar (database versions not stated): gnomAD exomes 0.00001 and 0.00003; TOPMed 0.00003; gnomAD 0.00004; ExAC 0.00006; ESP Exome Variant Server 0.00015.
gnomAD v4.1: 26 of 1,613,888 alleles (0.0016%); highest among the groups gnomAD compares: Middle Eastern, 0.016%; no homozygotes.

Submissions (2):

Ambry Genetics
Classification: Uncertain significance for Inborn genetic diseases. Last evaluated: 2024-05-14. Review status: criteria provided, single submitter. Criteria: Ambry Variant Classification Scheme 2023. Collection method: clinical testing. Allele origin: germline.

Labcorp Genetics (formerly Invitae), Labcorp
Classification: Uncertain significance for Developmental and epileptic encephalopathy, 23. Last evaluated: 2022-09-27. Review status: criteria provided, single submitter. Criteria: Invitae Variant Classification Sherloc (09022015). Collection method: clinical testing. Allele origin: germline.
Comment: This sequence change replaces isoleucine, which is neutral and non-polar, with threonine, which is neutral and polar, at codon 80 of the DOCK7 protein (p.Ile80Thr). This variant is present in population databases (rs371529266, gnomAD 0.008%). This variant has not been reported in the literature in individuals affected with DOCK7-related conditions. ClinVar contains an entry for this variant (Variation ID: 941272). Advanced modeling of protein sequence and biophysical properties (such as structural, functional, and spatial information, amino acid conservation, physicochemical variation, residue mobility, and thermodynamic stability) performed at Invitae indicates that this missense variant is not expected to disrupt DOCK7 protein function. In summary, the available evidence is currently insufficient to determine the role of this variant in disease. Therefore, it has been classified as a Variant of Uncertain Significance.